The following is an entry in ClinVar:

NM_004360.5(CDH1):c.495A>C (p.Glu165Asp)

Gene: CDH1 (cadherin 1; plus strand). Cytogenetic location: 16q22.1.
Variant type: single nucleotide variant.
Coding change: c.495A>C on transcript NM_004360.5 (MANE Select); coding-DNA position 495, A replaced by C.
Protein change: p.Glu165Asp; replaces glutamic acid 165 with aspartic acid.
Molecular consequence: missense variant. On other transcripts: 5 prime UTR variant (2).
Genome position (GRCh38, 1-based): chr16:68,808,531, A>C. VCF-style: chr16-68808531-A-C. GRCh37 (hg19) VCF-style: chr16-68842434-A-C.
Other names: c.495A>C, p.Glu165Asp (NM_001317184.2); c.-1121A>C (NM_001317185.2); c.-1325A>C (NM_001317186.2); short protein forms E165D.
Identifiers: ClinVar variation 3708787 (VCV003708787.2).

ClinVar aggregate classification (germline): Uncertain significance (1 of 4 stars; one submission).

Conditions:
Hereditary diffuse gastric adenocarcinoma (HDGC). Also called: DIFFUSE GASTRIC AND LOBULAR BREAST CANCER SYNDROME. Identifiers: Orphanet 26106, MedGen C1708349, MONDO:0007648, OMIM 137215.

Submission:

Labcorp Genetics (formerly Invitae), Labcorp
Classification: Uncertain significance for Hereditary diffuse gastric adenocarcinoma. Last evaluated: 2024-09-13. Review status: criteria provided, single submitter. Criteria: Invitae Variant Classification Sherloc (09022015). Collection method: clinical testing. Allele origin: germline.
Comment: This sequence change replaces glutamic acid, which is acidic and polar, with aspartic acid, which is acidic and polar, at codon 165 of the CDH1 protein (p.Glu165Asp). This variant is not present in population databases (gnomAD no frequency). This variant has not been reported in the literature in individuals affected with CDH1-related conditions. An algorithm developed to predict the effect of missense changes on protein structure and function (PolyPhen-2) suggests that this variant is likely to be disruptive. In summary, the available evidence is currently insufficient to determine the role of this variant in disease. Therefore, it has been classified as a Variant of Uncertain Significance.